The following is an entry in ClinVar:

NM_001723.7(DST):c.7207A>G (p.Ile2403Val)

Gene: DST (dystonin; minus strand). Cytogenetic location: 6p12.1.
Variant type: single nucleotide variant.
Coding change: c.7207A>G on transcript NM_001723.7 (MANE Plus Clinical); coding-DNA position 7207, A replaced by G.
Protein change: p.Ile2403Val; replaces isoleucine 2403 with valine.
Molecular consequence: missense variant. On other transcripts: intron variant (10).
Genome position (GRCh38, 1-based): chr6:56,616,260, T>C on the plus strand (A>G on the coding strand, the complement: DST is on the minus strand). VCF-style: chr6-56616260-T-C. GRCh37 (hg19) VCF-style: chr6-56481058-T-C.
Other names: c.4831-1776A>G (NM_001144769.5); c.4930-1776A>G (NM_001374722.1, NM_001374736.1); c.4957-1776A>G (NM_001374734.1); c.4417-1776A>G (NM_001144770.2); c.4297-1776A>G (NM_001374730.1, NM_001386100.1, NM_183380.4 and 1 more transcripts); c.3319-1776A>G (NM_015548.5); short protein forms I2403V.
Identifiers: ClinVar variation 853949 (VCV000853949.10), dbSNP rs371329251, ClinGen allele CA3870008.

ClinVar aggregate classification (germline): Uncertain significance (1 of 4 stars; one submission).

Conditions:
Hereditary sensory and autonomic neuropathy type 6. Also called: HSAN VI; Neuropathy, hereditary sensory and autonomic, type VI. Identifiers: Orphanet 314381, MedGen C3539003, MONDO:0013839, OMIM 614653.
Epidermolysis bullosa simplex 3, localized or generalized intermediate, with BP230 deficiency (EBS3). Also called: Epidermolysis bullosa simplex due to BP230 deficiency; Epidermolysis bullosa simplex, autosomal recessive 2. Identifiers: Orphanet 412181, MedGen C3809470, MONDO:0014180, OMIM 615425.

Allele frequency attached by ClinVar (database versions not stated): ExAC 0.00001; gnomAD exomes 0.00001; TOPMed 0.00002; gnomAD 0.00004; ESP Exome Variant Server 0.00008.
gnomAD v4.1: 9 of 1,614,028 alleles (0.00056%); highest among the groups gnomAD compares: African/African-American, 0.008%; no homozygotes.

Submission:

Labcorp Genetics (formerly Invitae), Labcorp
Classification: Uncertain significance for Epidermolysis bullosa simplex 3, localized or generalized intermediate, with BP230 deficiency; Hereditary sensory and autonomic neuropathy type 6. Last evaluated: 2019-01-26. Review status: criteria provided, single submitter. Criteria: Invitae Variant Classification Sherloc (09022015). Collection method: clinical testing. Allele origin: germline.
Comment: In summary, the available evidence is currently insufficient to determine the role of this variant in disease. Therefore, it has been classified as a Variant of Uncertain Significance. Algorithms developed to predict the effect of missense changes on protein structure and function (SIFT, PolyPhen-2, Align-GVGD) all suggest that this variant is likely to be tolerated, but these predictions have not been confirmed by published functional studies and their clinical significance is uncertain. This variant has not been reported in the literature in individuals with DST-related conditions. This variant is present in population databases (rs371329251, ExAC 0.01%). This sequence change replaces isoleucine with valine at codon 2403 of the DST protein (p.Ile2403Val). The isoleucine residue is weakly conserved and there is a small physicochemical difference between isoleucine and valine.